The following is an entry in ClinVar:

NM_001031689.3(PLAA):c.86A>G (p.Tyr29Cys)

Gene: PLAA (phospholipase A2 activating protein; minus strand). Cytogenetic location: 9p21.2.
Variant type: single nucleotide variant.
Coding change: c.86A>G on transcript NM_001031689.3 (MANE Select); coding-DNA position 86, A replaced by G.
Protein change: p.Tyr29Cys; replaces tyrosine 29 with cysteine.
Molecular consequence: missense variant.
Genome position (GRCh38, 1-based): chr9:26,946,960, T>C on the plus strand (A>G on the coding strand, the complement: PLAA is on the minus strand). VCF-style: chr9-26946960-T-C. GRCh37 (hg19) VCF-style: chr9-26946958-T-C.
Other names: c.86A>G, p.Tyr29Cys (NM_001321546.2); short protein forms Y29C.
Identifiers: ClinVar variation 1061077 (VCV001061077.5), dbSNP rs756160184, ClinGen allele CA5014737.

ClinVar aggregate classification (germline): Uncertain significance (1 of 4 stars; one submission).

gnomAD v4.1: 13 of 1,589,924 alleles (0.00082%); highest among the groups gnomAD compares: Admixed American, 0.0035%; no homozygotes.

Submission:

Labcorp Genetics (formerly Invitae), Labcorp
Classification: Uncertain significance. Last evaluated: 2024-01-15. Review status: criteria provided, single submitter. Criteria: Invitae Variant Classification Sherloc (09022015). Collection method: clinical testing. Allele origin: germline.
Comment: This sequence change replaces tyrosine, which is neutral and polar, with cysteine, which is neutral and slightly polar, at codon 29 of the PLAA protein (p.Tyr29Cys). This variant is present in population databases (rs756160184, gnomAD 0.02%). This missense change has been observed in individual(s) with clinical features of PLAA-related conditions (Invitae). ClinVar contains an entry for this variant (Variation ID: 1061077). An algorithm developed to predict the effect of missense changes on protein structure and function (PolyPhen-2) suggests that this variant is likely to be disruptive. In summary, the available evidence is currently insufficient to determine the role of this variant in disease. Therefore, it has been classified as a Variant of Uncertain Significance.